The following is an entry in ClinVar:

ClinVar aggregate classification (germline): Uncertain significance (1 of 4 stars; one submission).

Allele frequency attached by ClinVar (database versions not stated): ExAC 0.00002; gnomAD exomes 0.00002; TOPMed 0.00002; gnomAD 0.00003; ESP Exome Variant Server 0.00008.
gnomAD v4.1: 30 of 1,614,192 alleles (0.0019%); highest among the groups gnomAD compares: Middle Eastern, 0.016%; no homozygotes.

Submission:

Labcorp Genetics (formerly Invitae), Labcorp
Classification: Uncertain significance. Last evaluated: 2022-05-07. Review status: criteria provided, single submitter. Criteria: Invitae Variant Classification Sherloc (09022015). Collection method: clinical testing. Allele origin: germline.
Comment: In summary, the available evidence is currently insufficient to determine the role of this variant in disease. Therefore, it has been classified as a Variant of Uncertain Significance. Algorithms developed to predict the effect of missense changes on protein structure and function (SIFT, PolyPhen-2, Align-GVGD) all suggest that this variant is likely to be tolerated. This variant has not been reported in the literature in individuals affected with TAB2-related conditions. This variant is present in population databases (rs370151587, gnomAD 0.007%). This sequence change replaces asparagine, which is neutral and polar, with serine, which is neutral and polar, at codon 356 of the TAB2 protein (p.Asn356Ser).

NM_001292034.3(TAB2):c.1067A>G (p.Asn356Ser)

Genes: TAB2 (TGF-beta activated kinase 1 (MAP3K7) binding protein 2; plus strand), LOC126859827 (BRD4-independent group 4 enhancer GRCh37_chr6:149699707-149700906; plus strand). Cytogenetic location: 6q25.1.
Variant type: single nucleotide variant.
Coding change: c.1067A>G on transcript NM_001292034.3 (MANE Select); coding-DNA position 1067, A replaced by G.
Protein change: p.Asn356Ser; replaces asparagine 356 with serine.
Molecular consequence: missense variant.
Genome position (GRCh38, 1-based): chr6:149,378,982, A>G. VCF-style: chr6-149378982-A-G. GRCh37 (hg19) VCF-style: chr6-149700118-A-G.
Other names: c.971A>G, p.Asn324Ser (NM_001292035.3); c.1067A>G, p.Asn356Ser (NM_001369506.1, NM_015093.6); short protein forms N356S, N324S.
Identifiers: ClinVar variation 2175209 (VCV002175209.4), dbSNP rs370151587, ClinGen allele CA4041480.